The following is an entry in ClinVar:

NM_182914.3(SYNE2):c.6286A>G (p.Arg2096Gly)

Gene: SYNE2 (spectrin repeat containing nuclear envelope protein 2; plus strand). Cytogenetic location: 14q23.2.
Variant type: single nucleotide variant.
Coding change: c.6286A>G on transcript NM_182914.3 (MANE Select); coding-DNA position 6286, A replaced by G.
Protein change: p.Arg2096Gly; replaces arginine 2096 with glycine.
Molecular consequence: missense variant.
Genome position (GRCh38, 1-based): chr14:64,026,612, A>G. VCF-style: chr14-64026612-A-G. GRCh37 (hg19) VCF-style: chr14-64493330-A-G.
Other names: c.6286A>G, p.Arg2096Gly (NM_015180.6); short protein forms R2096G.
Identifiers: ClinVar variation 4707318 (VCV004707318.1).

ClinVar aggregate classification (germline): Uncertain significance (1 of 4 stars; one submission).

Conditions:
Emery-Dreifuss muscular dystrophy 5, autosomal dominant (EDMD5). Also called: EMERY-DREIFUSS MUSCULAR DYSTROPHY 5. Identifiers: Orphanet 261, MedGen C2751805, MONDO:0013072, OMIM 612999.

gnomAD v4.1: 14 of 1,613,826 alleles (0.00087%); highest among the groups gnomAD compares: Non-Finnish European, 0.0011%; no homozygotes.

Submission:

Labcorp Genetics (formerly Invitae), Labcorp
Classification: Uncertain significance for Emery-Dreifuss muscular dystrophy 5, autosomal dominant. Last evaluated: 2025-11-01. Review status: criteria provided, single submitter. Criteria: Invitae Variant Classification Sherloc (09022015). Collection method: clinical testing. Allele origin: germline.
Comment: This sequence change replaces arginine, which is basic and polar, with glycine, which is neutral and non-polar, at codon 2096 of the SYNE2 protein (p.Arg2096Gly). This variant is present in population databases (rs753320009, gnomAD 0.007%). This variant has not been reported in the literature in individuals affected with SYNE2-related conditions. An algorithm developed to predict the effect of missense changes on protein structure and function (PolyPhen-2) suggests that this variant is likely to be tolerated. In summary, the available evidence is currently insufficient to determine the role of this variant in disease. Therefore, it has been classified as a Variant of Uncertain Significance.